The following is an entry in ClinVar:

ClinVar aggregate classification (germline): Uncertain significance (1 of 4 stars; one submission).

Conditions:
Neuropathy, hereditary sensory, type 2C. Also called: Hereditary sensory and autonomic neuropathy type IIC; KIF1A-Related HSAN2 (HSAN2C). Identifiers: Orphanet 970, MedGen C3280168, MONDO:0013634, OMIM 614213.
Intellectual disability, autosomal dominant 9 (NESCAVS). Also called: KIF1A-Related Neurodevelopmental Disorder; NESCAV SYNDROME. Identifiers: Orphanet 662367, MedGen C5393830, MONDO:0013656, OMIM 614255.
Hereditary spastic paraplegia 30. Identifiers: Orphanet 101010, MedGen C5235139, MONDO:0012476.

Allele frequency attached by ClinVar (database versions not stated): gnomAD 0.00001.

Submission:

Labcorp Genetics (formerly Invitae), Labcorp
Classification: Uncertain significance for Hereditary spastic paraplegia 30; Neuropathy, hereditary sensory, type 2C; Intellectual disability, autosomal dominant 9. Last evaluated: 2023-07-17. Review status: criteria provided, single submitter. Criteria: Invitae Variant Classification Sherloc (09022015). Collection method: clinical testing. Allele origin: germline.
Comment: Variants that disrupt the consensus splice site are a relatively common cause of aberrant splicing (PMID: 17576681, 9536098). Algorithms developed to predict the effect of sequence changes on RNA splicing suggest that this variant may create or strengthen a splice site. In summary, the available evidence is currently insufficient to determine the role of this variant in disease. Therefore, it has been classified as a Variant of Uncertain Significance. ClinVar contains an entry for this variant (Variation ID: 1056554). This variant has not been reported in the literature in individuals affected with KIF1A-related conditions. This variant is not present in population databases (gnomAD no frequency). This sequence change falls in intron 9 of the KIF1A gene. It does not directly change the encoded amino acid sequence of the KIF1A protein. It affects a nucleotide within the consensus splice site.

Literature cited by the submitters: PubMed 17576681; PubMed 9536098.

NM_001244008.2(KIF1A):c.882+5G>A

Gene: KIF1A (kinesin family member 1A; minus strand). Cytogenetic location: 2q37.3.
Variant type: single nucleotide variant.
Coding change: c.882+5G>A on transcript NM_001244008.2 (MANE Select); 5 bases into the intron after coding-DNA position 882, G replaced by A.
Molecular consequence: intron variant.
Genome position (GRCh38, 1-based): chr2:240,782,585, C>T on the plus strand (G>A on the coding strand, the complement: KIF1A is on the minus strand). VCF-style: chr2-240782585-C-T. GRCh37 (hg19) VCF-style: chr2-241722002-C-T.
Other names: c.882+5G>A (NM_001379653.1, NM_001379650.1, NM_001379645.1 and 20 more transcripts).
Identifiers: ClinVar variation 1056554 (VCV001056554.7), dbSNP rs2054211236, ClinGen allele CA1339288329.